The following is an entry in ClinVar:

NM_001253697.2(ERBIN):c.2878G>T (p.Gly960Cys)

Gene: ERBIN (erbb2 interacting protein; plus strand). Cytogenetic location: 5q12.3.
Variant type: single nucleotide variant.
Coding change: c.2878G>T on transcript NM_001253697.2 (MANE Select); coding-DNA position 2878, G replaced by T.
Protein change: p.Gly960Cys; replaces glycine 960 with cysteine.
Molecular consequence: missense variant.
Genome position (GRCh38, 1-based): chr5:66,054,196, G>T. VCF-style: chr5-66054196-G-T. GRCh37 (hg19) VCF-style: chr5-65350024-G-T.
Other names: c.2878G>T, p.Gly960Cys (NM_001006600.3, NM_001253698.2, NM_001253699.2 and 1 more transcripts); c.2866G>T, p.Gly956Cys (NM_001253701.2); short protein forms G956C, G960C.
Identifiers: ClinVar variation 1433485 (VCV001433485.8), dbSNP rs200672807, ClinGen allele CA3286555.

ClinVar aggregate classification (germline): Uncertain significance (1 of 4 stars; one submission).

Allele frequency attached by ClinVar (database versions not stated): ExAC 0.00001; gnomAD exomes 0.00002; gnomAD 0.00005; TOPMed 0.00014; ESP Exome Variant Server 0.00015.
gnomAD v4.1: 39 of 1,613,856 alleles (0.0024%); highest among the groups gnomAD compares: African/African-American, 0.02%; no homozygotes.

Submission:

Labcorp Genetics (formerly Invitae), Labcorp
Classification: Uncertain significance. Last evaluated: 2025-11-01. Review status: criteria provided, single submitter. Criteria: Invitae Variant Classification Sherloc (09022015). Collection method: clinical testing. Allele origin: germline.
Comment: This sequence change replaces glycine, which is neutral and non-polar, with cysteine, which is neutral and slightly polar, at codon 960 of the ERBIN protein (p.Gly960Cys). This variant is present in population databases (rs200672807, gnomAD 0.02%). This variant has not been reported in the literature in individuals affected with ERBIN-related conditions. ClinVar contains an entry for this variant (Variation ID: 1433485). An algorithm developed to predict the effect of missense changes on protein structure and function (PolyPhen-2) suggests that this variant is likely to be disruptive. In summary, the available evidence is currently insufficient to determine the role of this variant in disease. Therefore, it has been classified as a Variant of Uncertain Significance.